The following is an entry in ClinVar:

NM_000535.7(PMS2):c.826T>G (p.Cys276Gly)

Gene: PMS2 (PMS1 homolog 2, mismatch repair system component; minus strand). Cytogenetic location: 7p22.1.
Variant type: single nucleotide variant.
Coding change: c.826T>G on transcript NM_000535.7 (MANE Select); coding-DNA position 826, T replaced by G.
Protein change: p.Cys276Gly; replaces cysteine 276 with glycine.
Molecular consequence: missense variant. On other transcripts: 5 prime UTR variant (2), non-coding transcript variant (1).
Genome position (GRCh38, 1-based): chr7:5,995,611, A>C on the plus strand (T>G on the coding strand, the complement: PMS2 is on the minus strand). VCF-style: chr7-5995611-A-C. GRCh37 (hg19) VCF-style: chr7-6035242-A-C.
Other names: c.421T>G, p.Cys141Gly (NM_001018040.1, NM_001322003.2, NM_001322004.2 and 20 more transcripts); c.826T>G, p.Cys276Gly (NM_001322006.2, NM_001322014.2, NM_001406870.1 and 2 more transcripts); c.508T>G, p.Cys170Gly (NM_001322007.2, NM_001322008.2, NM_001406876.1 and 4 more transcripts); c.-108T>G (NM_001322011.2, NM_001322012.2); c.253T>G, p.Cys85Gly (NM_001322013.2, NM_001406909.1); c.517T>G, p.Cys173Gly (NM_001322015.2, NM_001406875.1, NM_001406877.1 and 6 more transcripts); c.1012T>G, p.Cys338Gly (NM_001406866.1); c.850T>G, p.Cys284Gly (NM_001406868.1); and 4 more; short protein forms C141G, C85G, C105G, C173G, C164G, C284G, C338G, C170G.
Identifiers: ClinVar variation 1762700 (VCV001762700.2), dbSNP rs1407229027, ClinGen allele CA366743539.
Genomic context (GRCh38, chr7:5,995,611, plus strand): 5'-GCCGCCGGTTGATAAAGAAAAACTGTCTGTCTGTTGAACTCCTTCCAACTCCATGCGTGC[A>C]TTGTGAAATGAAACCTGAGATGCTATTCAACATTAATATGGTAAGGGCAGGATTCCAGAG-3'
Protein context (NP_000526.2, residues 266-286): LFYISGFISQ[Cys276Gly]THGVGRSSTD

ClinVar aggregate classification (germline): Uncertain significance (1 of 4 stars; one submission).

Conditions:
Hereditary cancer-predisposing syndrome. Also called: Neoplastic Syndromes, Hereditary; Tumor predisposition; Hereditary Cancer Syndrome; Hereditary neoplastic syndrome. Identifiers: Orphanet 140162, MedGen C0027672, MeSH D009386, MONDO:0015356.

Submission:

Ambry Genetics
Classification: Uncertain significance for Hereditary cancer-predisposing syndrome. Last evaluated: 2021-03-01. Review status: criteria provided, single submitter. Criteria: Ambry Variant Classification Scheme 2023. Collection method: clinical testing. Allele origin: germline.
Comment: The p.C276G variant (also known as c.826T>G), located in coding exon 8 of the PMS2 gene, results from a T to G substitution at nucleotide position 826. The cysteine at codon 276 is replaced by glycine, an amino acid with highly dissimilar properties. This amino acid position is not well conserved in available vertebrate species. In addition, the in silico prediction for this alteration is inconclusive. Since supporting evidence is limited at this time, the clinical significance of this alteration remains unclear.